The following is an entry in ClinVar:

ClinVar aggregate classification (germline): Benign. Review status: criteria provided, multiple submitters, no conflicts (2 of 4 stars). 4 submissions from 4 submitters: Benign (4). Last evaluated 2026-02-01.

Conditions:
Age related macular degeneration 1 (ARMD1). Also called: MACULOPATHY, AGE-RELATED, 1. Identifiers: MedGen C1864205, MONDO:0011285, OMIM 603075.

Allele frequency attached by ClinVar (database versions not stated): ESP Exome Variant Server 0.00138; gnomAD 0.00156 and 0.00295; TOPMed 0.00201; gnomAD exomes 0.00273 and 0.00653; ExAC 0.00709; 1000 Genomes Project 0.01198; 1000 Genomes Project 30x 0.01280.
gnomAD v4.1: 4,525 of 1,613,878 alleles (0.28%); highest among the groups gnomAD compares: South Asian, 3.6%; 114 homozygotes.

Submissions (4):

Labcorp Genetics (formerly Invitae), Labcorp
Classification: Benign. Last evaluated: 2026-02-01. Review status: criteria provided, single submitter. Criteria: Invitae Variant Classification Sherloc (09022015). Collection method: clinical testing. Allele origin: germline.

Genome-Nilou Lab
Classification: Benign for Age related macular degeneration 1. Last evaluated: 2023-04-11. Review status: criteria provided, single submitter. Criteria: ACMG Guidelines, 2015. Collection method: clinical testing. Allele origin: germline. Affected: no.

Illumina Laboratory Services, Illumina
Classification: Benign for Age related macular degeneration 1. Last evaluated: 2018-01-12. Review status: criteria provided, single submitter. Criteria: ICSL Variant Classification Criteria 13 December 2019. Collection method: clinical testing. Allele origin: germline.
Comment: This variant was observed in the ICSL laboratory as part of a predisposition screen in an ostensibly healthy population. It had not been previously curated by ICSL or reported in the Human Gene Mutation Database (HGMD: prior to June 1st, 2018), and was therefore a candidate for classification through an automated scoring system. Utilizing variant allele frequency, disease prevalence and penetrance estimates, and inheritance mode, an automated score was calculated to assess if this variant is too frequent to cause the disease. Based on the score and internal cut-off values, a variant classified as benign is not then subjected to further curation. The score for this variant resulted in a classification of benign for this disease.

Breakthrough Genomics
Classification: Benign. Review status: criteria provided, single submitter. Criteria: ACMG Guidelines, 2015. Collection method: not provided. Allele origin: germline. Inheritance: Autosomal dominant inheritance. Affected: yes.

NM_031935.3(HMCN1):c.8103T>C (p.Ile2701=)

Gene: HMCN1 (hemicentin 1; plus strand). Cytogenetic location: 1q31.1.
Variant type: single nucleotide variant.
Coding change: c.8103T>C on transcript NM_031935.3 (MANE Select); coding-DNA position 8103, T replaced by C.
Protein change: p.Ile2701=; no amino-acid change (isoleucine 2701 retained).
Molecular consequence: synonymous variant.
Genome position (GRCh38, 1-based): chr1:186,070,721, T>C. VCF-style: chr1-186070721-T-C. GRCh37 (hg19) VCF-style: chr1-186039853-T-C.
Identifiers: ClinVar variation 294194 (VCV000294194.16), dbSNP rs143271285, ClinGen allele CA1293025.